The following is an entry in ClinVar:

NM_015215.4(CAMTA1):c.4313G>A (p.Ser1438Asn)

Gene: CAMTA1 (calmodulin binding transcription activator 1; plus strand). Cytogenetic location: 1p36.23.
Variant type: single nucleotide variant.
Coding change: c.4313G>A on transcript NM_015215.4 (MANE Select); coding-DNA position 4313, G replaced by A.
Protein change: p.Ser1438Asn; replaces serine 1438 with asparagine.
Molecular consequence: missense variant.
Genome position (GRCh38, 1-based): chr1:7,744,965, G>A. VCF-style: chr1-7744965-G-A. GRCh37 (hg19) VCF-style: chr1-7805025-G-A.
Other names: c.4223G>A, p.Ser1408Asn (NM_001349608.2); c.3974G>A, p.Ser1325Asn (NM_001349609.2, NM_001349610.2, NM_001410737.1); c.3884G>A, p.Ser1295Asn (NM_001349612.2); c.1442G>A, p.Ser481Asn (NM_001349613.1); c.1385G>A, p.Ser462Asn (NM_001349614.1, NM_001349615.2, NM_001349616.2 and 2 more transcripts); c.1046G>A, p.Ser349Asn (NM_001349619.2, NM_001349620.1, NM_001349621.1 and 5 more transcripts); c.3902G>A, p.Ser1301Asn (NM_001410738.1); short protein forms S349N, S462N, S1295N, S1301N, S1325N, S481N, S1408N, S1438N.
Identifiers: ClinVar variation 2042938 (VCV002042938.1), dbSNP rs757767496, ClinGen allele CA567121.

ClinVar aggregate classification (germline): Uncertain significance (1 of 4 stars; one submission).

Allele frequency attached by ClinVar (database versions not stated): gnomAD exomes below 0.00001; ExAC 0.00001.
gnomAD v4.1: 2 of 1,614,182 alleles (0.00012%); highest among the groups gnomAD compares: Admixed American, 0.0033%; no homozygotes.

Submission:

Labcorp Genetics (formerly Invitae), Labcorp
Classification: Uncertain significance. Last evaluated: 2022-09-23. Review status: criteria provided, single submitter. Criteria: Invitae Variant Classification Sherloc (09022015). Collection method: clinical testing. Allele origin: germline.
Comment: This sequence change replaces serine, which is neutral and polar, with asparagine, which is neutral and polar, at codon 1438 of the CAMTA1 protein (p.Ser1438Asn). This variant is present in population databases (rs757767496, gnomAD 0.006%). This variant has not been reported in the literature in individuals affected with CAMTA1-related conditions. Algorithms developed to predict the effect of missense changes on protein structure and function (SIFT, PolyPhen-2, Align-GVGD) all suggest that this variant is likely to be tolerated. In summary, the available evidence is currently insufficient to determine the role of this variant in disease. Therefore, it has been classified as a Variant of Uncertain Significance.